The following is an entry in ClinVar:

NM_001332.4(CTNND2):c.-9G>A

Gene: CTNND2 (catenin delta 2; minus strand). Cytogenetic location: 5p15.2.
Variant type: single nucleotide variant.
Coding change: c.-9G>A on transcript NM_001332.4 (MANE Select); 9 bases upstream of the start codon, G replaced by A.
Molecular consequence: 5 prime UTR variant. On other transcripts: non-coding transcript variant (1).
Genome position (GRCh38, 1-based): chr5:11,903,862, C>T on the plus strand (G>A on the coding strand, the complement: CTNND2 is on the minus strand). VCF-style: chr5-11903862-C-T. GRCh37 (hg19) VCF-style: chr5-11903974-C-T.
Other names: c.-743G>A (NM_001288717.2).
Identifiers: ClinVar variation 1262174 (VCV001262174.28), dbSNP rs367770543, ClinGen allele CA3201218.

ClinVar aggregate classification (germline): Benign/Likely benign. Review status: criteria provided, multiple submitters, no conflicts (2 of 4 stars). 4 submissions from 4 submitters: Benign (2); Likely benign (2). Last evaluated 2026-07-01.

Allele frequency attached by ClinVar (database versions not stated): TOPMed 0.00281; gnomAD exomes 0.00532 and 0.00238; 1000 Genomes Project 30x 0.00047; 1000 Genomes Project 0.00060; ExAC 0.00177; ESP Exome Variant Server 0.00177; gnomAD 0.00262 and 0.00266.
gnomAD v4.1: 7,434 of 1,479,640 alleles (0.5%); highest among the groups gnomAD compares: Non-Finnish European, 0.62%; 21 homozygotes.

Submissions (4):

CeGaT Center for Human Genetics Tuebingen
Classification: Likely benign. Last evaluated: 2026-07-01. Review status: criteria provided, single submitter. Criteria: CeGaT Center For Human Genetics Tuebingen Variant Classification Criteria Version 2. Collection method: clinical testing. Allele origin: germline. Affected: yes. Observed: 3 variant alleles.
Comment: CTNND2: BS2

Blueprint Genetics
Classification: Likely benign. Last evaluated: 2024-11-18. Review status: criteria provided, single submitter. Criteria: ACMG Guidelines, 2015. Collection method: clinical testing. Allele origin: germline.

GeneDx
Classification: Benign. Last evaluated: 2020-03-25. Review status: criteria provided, single submitter. Criteria: GeneDx Variant Classification Process June 2021. Collection method: clinical testing. Allele origin: germline. Affected: yes.

Breakthrough Genomics
Classification: Benign. Review status: criteria provided, single submitter. Criteria: ACMG Guidelines, 2015. Collection method: not provided. Allele origin: germline. Inheritance: Unknown mechanism. Affected: yes.